The following is an entry in ClinVar:

NM_006642.5(SDCCAG8):c.307-3T>C

Gene: SDCCAG8 (SHH signaling and ciliogenesis regulator SDCCAG8; plus strand). Cytogenetic location: 1q43.
Variant type: single nucleotide variant.
Coding change: c.307-3T>C on transcript NM_006642.5 (MANE Select); 3 bases into the intron before coding-DNA position 307, T replaced by C.
Molecular consequence: intron variant.
Genome position (GRCh38, 1-based): chr1:243,274,540, T>C. VCF-style: chr1-243274540-T-C. GRCh37 (hg19) VCF-style: chr1-243437842-T-C.
Other names: c.13-3T>C (NM_001350249.2); c.-1067-3T>C (NM_001350251.2); c.307-3T>C (NM_001350248.2, NM_006642.3); c.-806-3T>C (NM_001350246.2); c.-694-3T>C (NM_001350247.2).
Identifiers: ClinVar variation 1385118 (VCV001385118.7), dbSNP rs901028030, ClinGen allele CA40413493.
Genomic context (GRCh38, chr1:243,274,540, plus strand): 5'-TGCTTAATTTGGCTTTTTAAAATTTATGTATTTATGTATTTATTTATTTATTTTTTGTCA[T>C]AGAGGTCATTAGAACATGAGGAAACCAATATGCCTACTATGCACGACCTTGTTCATACTA-3'

ClinVar aggregate classification (germline): Conflicting classifications of pathogenicity. Review status: criteria provided, conflicting classifications (1 of 4 stars). 2 submissions from 2 submitters: Uncertain significance (1); Likely benign (1). Last evaluated 2026-04-02.

Conditions:
SDCCAG8-related disorder. Also called: SDCCAG8-Related Disorders; SDCCAG8-related condition.
Bardet-Biedl syndrome 16 (BBS16). Identifiers: Orphanet 110, MedGen C3889474, MONDO:0014444, OMIM 615993.
Senior-Loken syndrome 7 (SLSN7). Identifiers: Orphanet 3156, MedGen C3150877, MONDO:0013326, OMIM 613615.

Allele frequency attached by ClinVar (database versions not stated): gnomAD exomes below 0.00001 and 0.00001; TOPMed 0.00002.
gnomAD v4.1: 5 of 1,488,084 alleles (0.00034%); highest among the groups gnomAD compares: Admixed American, 0.0067%; no homozygotes.

Submissions (2):

PreventionGenetics, part of Exact Sciences
Classification: Likely benign for SDCCAG8-related condition. Last evaluated: 2026-04-02. Review status: criteria provided, single submitter. Criteria: ACMG Guidelines, 2015. Collection method: clinical testing. Allele origin: germline.
Comment: This variant is classified as likely benign based on ACMG/AMP sequence variant interpretation guidelines (Richards et al. 2015 PMID: 25741868, with internal and published modifications).

Labcorp Genetics (formerly Invitae), Labcorp
Classification: Uncertain significance for Bardet-Biedl syndrome 16; Senior-Loken syndrome 7. Last evaluated: 2022-10-05. Review status: criteria provided, single submitter. Criteria: Invitae Variant Classification Sherloc (09022015). Collection method: clinical testing. Allele origin: germline.
Comment: In summary, the available evidence is currently insufficient to determine the role of this variant in disease. Therefore, it has been classified as a Variant of Uncertain Significance. Variants that disrupt the consensus splice site are a relatively common cause of aberrant splicing (PMID: 17576681, 9536098). Algorithms developed to predict the effect of sequence changes on RNA splicing suggest that this variant may disrupt the consensus splice site. ClinVar contains an entry for this variant (Variation ID: 1385118). This variant has not been reported in the literature in individuals affected with SDCCAG8-related conditions. This variant is present in population databases (no rsID available, gnomAD 0.009%). This sequence change falls in intron 3 of the SDCCAG8 gene. It does not directly change the encoded amino acid sequence of the SDCCAG8 protein. It affects a nucleotide within the consensus splice site.

Literature cited by the submitters: PubMed 17576681 (cited by Labcorp Genetics (formerly Invitae), Labcorp); PubMed 9536098 (cited by Labcorp Genetics (formerly Invitae), Labcorp).